The following is an entry in ClinVar:

ClinVar aggregate classification (germline): Uncertain significance (1 of 4 stars; one submission).

Conditions:
TTN-related disorder. Also called: TTN-related disorders; TTN-related condition; TTN-related disease.

gnomAD v4.1: 13 of 1,613,866 alleles (0.00081%); highest among the groups gnomAD compares: Non-Finnish European, 0.00093%; no homozygotes.

Submission:

PreventionGenetics, part of Exact Sciences
Classification: Uncertain significance for TTN-related condition. Last evaluated: 2025-06-26. Review status: criteria provided, single submitter. Criteria: ACMG Guidelines, 2015. Collection method: clinical testing. Allele origin: germline.
Comment: The TTN c.87586A>G variant is predicted to result in the amino acid substitution p.Met29196Val. To our knowledge, this variant has not been reported in the literature. This variant is reported in 0.0062% of alleles in individuals of European (Non-Finnish) descent in gnomAD. At this time, the clinical significance of this variant is uncertain due to the absence of conclusive functional and genetic evidence.

NM_001267550.2(TTN):c.87586A>G (p.Met29196Val)

Genes: TTN (titin; minus strand), TTN-AS1 (TTN antisense RNA 1; plus strand). Cytogenetic location: 2q31.2.
Variant type: single nucleotide variant.
Coding change: c.87586A>G on transcript NM_001267550.2 (MANE Select); coding-DNA position 87586, A replaced by G.
Protein change: p.Met29196Val; replaces methionine 29196 with valine.
Molecular consequence: missense variant.
Genome position (GRCh38, 1-based): chr2:178,557,768, T>C on the plus strand (A>G on the coding strand, the complement: TTN is on the minus strand). VCF-style: chr2-178557768-T-C. GRCh37 (hg19) VCF-style: chr2-179422495-T-C.
Other names: c.82663A>G, p.Met27555Val (NM_001256850.1); c.60391A>G, p.Met20131Val (NM_003319.4); c.79882A>G, p.Met26628Val (NM_133378.4); c.60766A>G, p.Met20256Val (NM_133432.3); c.60967A>G, p.Met20323Val (NM_133437.4); short protein forms M20323V, M29196V, M26628V, M27555V, M20131V, M20256V.
Identifiers: ClinVar variation 4981616 (VCV004981616.1).
Genomic context (GRCh38, chr2:178,557,768, plus strand): 5'-TTTCTGCCTTGATGCGGAATTGGTATTCTTCTCCTGTGGTCAGTTTCATGACTTTCATCA[T>C]GGTTCTTGCAACTGTTGCAGACACTTCAGTCCACACTGCAGTACTTGTTTCTCTTTTGAG-3'
Protein context (NP_001254479.2, residues 29186-29206): TEVSATVART[Met29196Val]MKVMKLTTGE